The following is an entry in ClinVar:

ClinVar aggregate classification (germline): Uncertain significance (1 of 4 stars; one submission).

Allele frequency attached by ClinVar (database versions not stated): ExAC 0.00001; gnomAD 0.00001; gnomAD exomes 0.00001; TOPMed 0.00002.
gnomAD v4.1: 18 of 1,614,026 alleles (0.0011%); highest among the groups gnomAD compares: Non-Finnish European, 0.0015%; no homozygotes.

Submission:

Labcorp Genetics (formerly Invitae), Labcorp
Classification: Uncertain significance. Last evaluated: 2023-06-15. Review status: criteria provided, single submitter. Criteria: Invitae Variant Classification Sherloc (09022015). Collection method: clinical testing. Allele origin: germline.
Comment: This sequence change replaces glycine, which is neutral and non-polar, with valine, which is neutral and non-polar, at codon 197 of the SNIP1 protein (p.Gly197Val). Advanced modeling of protein sequence and biophysical properties (such as structural, functional, and spatial information, amino acid conservation, physicochemical variation, residue mobility, and thermodynamic stability) performed at Invitae indicates that this missense variant is not expected to disrupt SNIP1 protein function. In summary, the available evidence is currently insufficient to determine the role of this variant in disease. Therefore, it has been classified as a Variant of Uncertain Significance. This variant has not been reported in the literature in individuals affected with SNIP1-related conditions. This variant is present in population databases (rs759723671, gnomAD 0.0009%). ClinVar contains an entry for this variant (Variation ID: 1970031).

NM_024700.4(SNIP1):c.590G>T (p.Gly197Val)

Genes: SNIP1 (Smad nuclear interacting protein 1; minus strand), LOC126805704 (BRD4-independent group 4 enhancer GRCh37_chr1:38005292-38006491; plus strand). Cytogenetic location: 1p34.3.
Variant type: single nucleotide variant.
Coding change: c.590G>T on transcript NM_024700.4 (MANE Select); coding-DNA position 590, G replaced by T.
Protein change: p.Gly197Val; replaces glycine 197 with valine.
Molecular consequence: missense variant.
Genome position (GRCh38, 1-based): chr1:37,540,493, C>A on the plus strand (G>T on the coding strand, the complement: SNIP1 is on the minus strand). VCF-style: chr1-37540493-C-A. GRCh37 (hg19) VCF-style: chr1-38006094-C-A.
Other names: short protein forms G197V.
Identifiers: ClinVar variation 1970031 (VCV001970031.5), dbSNP rs759723671, ClinGen allele CA771299.